The following is an entry in ClinVar:

NC_000016.9:g.(?_89845199)_(89871810_?)del

Gene: FANCA (FA complementation group A; minus strand). Cytogenetic location: 16q24.3.
Variant type: Deletion.
Identifiers: ClinVar variation 1457118 (VCV001457118.4).

ClinVar aggregate classification (germline): Pathogenic (1 of 4 stars; one submission).

Conditions:
Fanconi anemia (FA). Also called: Fanconi's anemia. Identifiers: Orphanet 84, MedGen C0015625, MeSH D005199, MONDO:0019391.

Submission:

Labcorp Genetics (formerly Invitae), Labcorp
Classification: Pathogenic for Fanconi anemia. Last evaluated: 2022-05-27. Review status: criteria provided, single submitter. Criteria: Invitae Variant Classification Sherloc (09022015). Collection method: clinical testing. Allele origin: germline.
Comment: This variant is a gross deletion of the genomic region encompassing exon(s) 7-20 of the FANCA gene. This variant would be expected to be in-frame, preserving the integrity of the reading frame. A similar copy number variant has been observed in individual(s) with Fanconi anemia (PMID: 10521298, 23898106). This variant disrupts a region of the FANCA protein in which other variant(s) (exon 16-17 deletion) have been determined to be pathogenic (PMID: 9711872, 21273304, 23613520, 29098742). This suggests that this is a clinically significant region of the protein, and that variants that disrupt it are likely to be disease-causing. For these reasons, this variant has been classified as Pathogenic.

Literature cited by the submitters: PubMed 10521298; PubMed 23898106; PubMed 9711872; PubMed 21273304; PubMed 23613520; PubMed 29098742.